The following is an entry in ClinVar:

NC_000009.11:g.(?_135798715)_(135820530_?)dup

Gene: TSC1 (TSC complex subunit 1; minus strand). Cytogenetic location: 9q34.13.
Variant type: Duplication.
Identifiers: ClinVar variation 3245195 (VCV003245195.1).

ClinVar aggregate classification (germline): Uncertain significance (1 of 4 stars; one submission).

Conditions:
Tuberous sclerosis 1 (TSC1). Identifiers: Orphanet 805, MedGen C1854465, MONDO:0008612, OMIM 191100.

Submission:

Labcorp Genetics (formerly Invitae), Labcorp
Classification: Uncertain significance for Tuberous sclerosis 1. Last evaluated: 2023-08-28. Review status: criteria provided, single submitter. Criteria: Invitae Variant Classification Sherloc (09022015). Collection method: clinical testing. Allele origin: unknown.
Comment: In summary, the available evidence is currently insufficient to determine the role of this variant in disease. Therefore, it has been classified as a Variant of Uncertain Significance. Experimental studies and prediction algorithms are not available or were not evaluated, and the functional significance of this variant is currently unknown. This variant has not been reported in the literature in individuals affected with TSC1-related conditions. This variant results in a copy number gain of the genomic region encompassing exon(s) 1-6 of the TSC1 gene. This region includes the initiator codon of the gene. This copy number gain extends beyond the assayed region for this gene and therefore may encompass additional genes. As the precise location of this event is unknown, it may be in tandem or it may be located elsewhere in the genome.